The following is an entry in ClinVar:

ClinVar aggregate classification (germline): Likely benign (1 of 4 stars; one submission).

Submission:

CeGaT Center for Human Genetics Tuebingen
Classification: Likely benign. Last evaluated: 2022-06-01. Review status: criteria provided, single submitter. Criteria: CeGaT Center For Human Genetics Tuebingen Variant Classification Criteria Version 2. Collection method: clinical testing. Allele origin: germline. Affected: yes. Observed: 1 variant allele.
Comment: MUC4: BP4, BP7

NM_018406.7(MUC4):c.9951C>T (p.Asp3317=)

Gene: MUC4 (mucin 4, cell surface associated). Cytogenetic location: 3q29.
Variant type: single nucleotide variant.
Coding change: c.9951C>T on transcript NM_018406.7 (MANE Select); coding-DNA position 9951, C replaced by T.
Protein change: p.Asp3317=; no amino-acid change (aspartic acid 3317 retained).
Molecular consequence: synonymous variant. On other transcripts: genic upstream transcript variant (2).
Genome position (GRCh38, 1-based): chr3:195,781,629, G>A on the plus strand (C>T on the coding strand, the complement: MUC4 is on the minus strand). VCF-style: chr3-195781629-G-A. GRCh37 (hg19) VCF-style: chr3-195508500-G-A.
Other names: c.14721C>T, p.Asp4907= (NM_001322468.1); c.83-7324C>T (NM_138297.5); c.83-3174C>T (NM_004532.6).
Identifiers: ClinVar variation 2654437 (VCV002654437.24), dbSNP rs971718665, ClinGen allele CA2770621.